The following is an entry in ClinVar:

ClinVar aggregate classification (germline): Likely pathogenic. Review status: criteria provided, multiple submitters, no conflicts (2 of 4 stars). 2 submissions from 2 submitters: Likely pathogenic (2). Last evaluated 2026-06-16.

Conditions:
Colorectal cancer, hereditary nonpolyposis, type 7. Identifiers: Orphanet 144, MedGen C1858380, MONDO:0013725, OMIM 614385.

Submissions (2):

Ambry Genetics
Classification: Likely pathogenic. Last evaluated: 2026-06-16. Review status: criteria provided, single submitter. Criteria: Ambry Variant Classification Scheme 2023. Collection method: clinical testing. Allele origin: germline.
Comment: The c.3380-2A>G intronic variant results from an A to G substitution two nucleotides upstream from coding exon 3 in the MLH3 gene. This nucleotide position is highly conserved in available vertebrate species. In silico splice site analysis predicts that this alteration will weaken the native splice acceptor site; however, direct evidence is insufficient at this time (Ambry internal data). Variants that disrupt the canonical splice site are expected to cause aberrant splicing, resulting in an abnormal protein or a transcript that is subject to nonsense-mediated mRNA decay. As such, this variant is classified as likely pathogenic.

Myriad Genetics, Inc.
Classification: Likely pathogenic for Colorectal cancer, hereditary nonpolyposis, type 7. Last evaluated: 2025-12-10. Review status: criteria provided, single submitter. Criteria: Myriad Autosomal Dominant, Autosomal Recessive and X-Linked Classification Criteria (2023). Collection method: clinical testing. Allele origin: unknown.
Comment: This variant is considered likely pathogenic. This variant occurs within a consensus splice junction and is predicted to result in abnormal mRNA splicing of either an out-of-frame exon or an in-frame exon necessary for protein stability and/or normal function.

NM_001040108.2(MLH3):c.3380-2A>G

Gene: MLH3 (mutL homolog 3; minus strand). Cytogenetic location: 14q24.3.
Variant type: single nucleotide variant.
Coding change: c.3380-2A>G on transcript NM_001040108.2 (MANE Select); the canonical splice acceptor site of the intron before coding-DNA position 3380, A replaced by G.
Molecular consequence: splice acceptor variant.
Genome position (GRCh38, 1-based): chr14:75,041,702, T>C on the plus strand (A>G on the coding strand, the complement: MLH3 is on the minus strand). VCF-style: chr14-75041702-T-C. GRCh37 (hg19) VCF-style: chr14-75508405-T-C.
Other names: c.3380-2A>G (NM_014381.3).
Identifiers: ClinVar variation 3396629 (VCV003396629.3).